The following is an entry in ClinVar:

NM_006206.6(PDGFRA):c.1937A>T (p.Lys646Met)

Gene: PDGFRA (platelet derived growth factor receptor alpha; plus strand). Cytogenetic location: 4q12.
Variant type: single nucleotide variant.
Coding change: c.1937A>T on transcript NM_006206.6 (MANE Select); coding-DNA position 1937, A replaced by T.
Protein change: p.Lys646Met; replaces lysine 646 with methionine.
Molecular consequence: missense variant.
Genome position (GRCh38, 1-based): chr4:54,277,941, A>T. VCF-style: chr4-54277941-A-T. GRCh37 (hg19) VCF-style: chr4-55144108-A-T.
Other names: c.1937A>T, p.Lys646Met (NM_001347827.2, NM_001347829.2); c.2012A>T, p.Lys671Met (NM_001347828.2); c.1976A>T, p.Lys659Met (NM_001347830.2); short protein forms K646M, K659M, K671M.
Identifiers: ClinVar variation 3225274 (VCV003225274.1), dbSNP rs2110311360, ClinGen allele CA356893663.

ClinVar aggregate classification (germline): Uncertain significance (1 of 4 stars; one submission).

Conditions:
Hereditary cancer-predisposing syndrome. Also called: Neoplastic Syndromes, Hereditary; Tumor predisposition; Hereditary neoplastic syndrome; Hereditary Cancer Syndrome. Identifiers: Orphanet 140162, MedGen C0027672, MeSH D009386, MONDO:0015356.

Allele frequency attached by ClinVar (database versions not stated): gnomAD exomes below 0.00001.
gnomAD v4.1: 2 of 1,614,010 alleles (0.00012%); highest among the groups gnomAD compares: Non-Finnish European, 0.00017%; no homozygotes.

Submission:

Ambry Genetics
Classification: Uncertain significance for Hereditary cancer-predisposing syndrome. Last evaluated: 2023-09-23. Review status: criteria provided, single submitter. Criteria: Ambry Variant Classification Scheme 2023. Collection method: clinical testing. Allele origin: germline.
Comment: The p.K646M variant (also known as c.1937A>T), located in coding exon 13 of the PDGFRA gene, results from an A to T substitution at nucleotide position 1937. The lysine at codon 646 is replaced by methionine, an amino acid with similar properties. This amino acid position is conserved. In addition, this alteration is predicted to be deleterious by in silico analysis. Since supporting evidence is limited at this time, the clinical significance of this alteration remains unclear.